The following is an entry in ClinVar:

NM_000718.4(CACNA1B):c.6325_6342dup (p.Arg2114_Arg2115insGlyArgSerGlnGluArg)

Gene: CACNA1B (calcium voltage-gated channel subunit alpha1 B; plus strand). Cytogenetic location: 9q34.3.
Variant type: Duplication.
Coding change: c.6325_6342dup on transcript NM_000718.4 (MANE Select); coding-DNA positions 6325 to 6342, 18 bases duplicated (GGCCGGTCCCAGGAGCGG).
Protein change: p.Arg2114_Arg2115insGlyArgSerGlnGluArg.
Molecular consequence: inframe insertion.
Genome position (GRCh38, 1-based): chr9:138,120,717-138,120,734, GGCCGGTCCCAGGAGCGG duplicated; duplicating any 18 consecutive bases within chr9:138,120,708-138,120,734 gives the same sequence; the c. name uses the placement nearest the transcript's 3' end. VCF-style (leftmost placement, unchanged base first): chr9-138120707-G-GCAGGAGCGGGGCCGGTCC. GRCh37 (hg19) VCF-style: chr9-141015159-G-GCAGGAGCGGGGCCGGTCC.
Other names: c.6325_6342dup, p.Arg2114_Arg2115insGlyArgSerGlnGluArg (NM_001243812.2).
Identifiers: ClinVar variation 4281756 (VCV004281756.1).

ClinVar aggregate classification (germline): Uncertain significance (1 of 4 stars; one submission).

Submission:

GeneDx
Classification: Uncertain significance. Last evaluated: 2025-04-08. Review status: criteria provided, single submitter. Criteria: GeneDx Variant Classification Process June 2021. Collection method: clinical testing. Allele origin: germline. Affected: yes.
Comment: Not observed at significant frequency in large population cohorts (gnomAD); In-frame duplication of 6 amino acid(s) in a non-repeat region; Has not been previously published as pathogenic or benign to our knowledge